The following is an entry in ClinVar:

ClinVar aggregate classification (germline): Likely benign. Review status: criteria provided, multiple submitters, no conflicts (2 of 4 stars). 3 submissions from 3 submitters: Likely benign (3). Last evaluated 2025-10-02.

Conditions:
TTC28-related disorder. Also called: TTC28-related condition.

Allele frequency attached by ClinVar (database versions not stated): 1000 Genomes Project 0.00120; 1000 Genomes Project 30x 0.00141; ExAC 0.00153; ESP Exome Variant Server 0.00197; gnomAD exomes 0.00200 and 0.00347; gnomAD 0.00241 and 0.00251; TOPMed 0.00247.
gnomAD v4.1: 5,204 of 1,551,676 alleles (0.34%); highest among the groups gnomAD compares: Non-Finnish European, 0.41%; 14 homozygotes.

Submissions (3):

PreventionGenetics, part of Exact Sciences
Classification: Likely benign for TTC28-related condition. Last evaluated: 2025-10-02. Review status: criteria provided, single submitter. Criteria: ACMG Guidelines, 2015. Collection method: clinical testing. Allele origin: germline.
Comment: This variant is classified as likely benign based on ACMG/AMP sequence variant interpretation guidelines (Richards et al. 2015 PMID: 25741868, with internal and published modifications).

Labcorp Genetics (formerly Invitae), Labcorp
Classification: Likely benign. Last evaluated: 2019-12-31. Review status: criteria provided, single submitter. Criteria: Invitae Variant Classification Sherloc (09022015). Collection method: clinical testing. Allele origin: germline.

Breakthrough Genomics
Classification: Likely benign. Review status: criteria provided, single submitter. Criteria: ACMG Guidelines, 2015. Collection method: not provided. Allele origin: germline. Inheritance: Unknown mechanism. Affected: yes.

NM_001145418.2(TTC28):c.6639G>A (p.Ala2213=)

Genes: TTC28 (tetratricopeptide repeat domain 28; minus strand), TTC28-AS1 (TTC28 antisense RNA 1; plus strand). Cytogenetic location: 22q12.1.
Variant type: single nucleotide variant.
Coding change: c.6639G>A on transcript NM_001145418.2 (MANE Select); coding-DNA position 6639, G replaced by A.
Protein change: p.Ala2213=; no amino-acid change (alanine 2213 retained).
Molecular consequence: synonymous variant.
Genome position (GRCh38, 1-based): chr22:27,983,028, C>T on the plus strand (G>A on the coding strand, the complement: TTC28 is on the minus strand). VCF-style: chr22-27983028-C-T. GRCh37 (hg19) VCF-style: chr22-28379016-C-T.
Other names: c.6615G>A, p.Ala2205= (NM_001393403.1); c.6285G>A, p.Ala2095= (NM_001393404.1); c.6261G>A, p.Ala2087= (NM_001393405.1).
Identifiers: ClinVar variation 723108 (VCV000723108.6), dbSNP rs189781469, ClinGen allele CA10167015.